The following is an entry in ClinVar:

NM_022124.6(CDH23):c.7C>T (p.Arg3Cys)

Gene: CDH23 (cadherin related 23; plus strand). Cytogenetic location: 10q22.1.
Variant type: single nucleotide variant.
Coding change: c.7C>T on transcript NM_022124.6 (MANE Select); coding-DNA position 7, C replaced by T.
Protein change: p.Arg3Cys; replaces arginine 3 with cysteine.
Molecular consequence: missense variant.
Genome position (GRCh38, 1-based): chr10:71,439,838, C>T. VCF-style: chr10-71439838-C-T. GRCh37 (hg19) VCF-style: chr10-73199595-C-T.
Other names: c.7C>T, p.Arg3Cys (NM_001171930.2, NM_001171931.2, NM_001171932.2 and 1 more transcripts); short protein forms R3C.
Identifiers: ClinVar variation 46042 (VCV000046042.26), dbSNP rs7902757, ClinGen allele CA137585.

ClinVar aggregate classification (germline): Benign/Likely benign. Review status: criteria provided, multiple submitters, no conflicts (2 of 4 stars). 13 submissions from 11 submitters: Benign (10); Likely benign (1). 2 of the submissions do not count toward it. Last evaluated 2026-02-04.

Conditions:
Usher syndrome type 1 (USH1). Also called: RETINITIS PIGMENTOSA AND CONGENITAL DEAFNESS. Identifiers: Orphanet 231169, Orphanet 886, MedGen C1568247, MONDO:0010168, OMIM 276900.
Usher syndrome type 1D (USH1D). Also called: USHER SYNDROME, TYPE ID. Identifiers: Orphanet 231169, Orphanet 886, MedGen C1832845, MONDO:0010984, OMIM 601067.
Autosomal recessive nonsyndromic hearing loss 12. Also called: DEAFNESS, AUTOSOMAL RECESSIVE 12. Identifiers: Orphanet 90636, MedGen C1832394, MONDO:0011067, OMIM 601386.

Allele frequency attached by ClinVar (database versions not stated): gnomAD exomes 0.04547; ExAC 0.09549; gnomAD 0.11710 and 0.12266; ESP Exome Variant Server 0.12339; TOPMed 0.12764; 1000 Genomes Project 0.13698; 1000 Genomes Project 30x 0.14210.
gnomAD v4.1: 63,043 of 1,563,838 alleles (4%); highest among the groups gnomAD compares: African/African-American, 35%; 5,378 homozygotes.

Submissions (13):

Labcorp Genetics (formerly Invitae), Labcorp
Classification: Benign. Last evaluated: 2026-02-04. Review status: criteria provided, single submitter. Criteria: Invitae Variant Classification Sherloc (09022015). Collection method: clinical testing. Allele origin: germline.

Women's Health and Genetics/Laboratory Corporation of America, LabCorp
Classification: Likely benign. Last evaluated: 2025-11-14. Review status: criteria provided, single submitter. Criteria: LabCorp Variant Classification Summary - May 2015. Collection method: clinical testing. Allele origin: germline.

Mayo Clinic Laboratories, Mayo Clinic
Classification: Benign. Last evaluated: 2022-04-17. Review status: criteria provided, single submitter. Criteria: ACMG Guidelines, 2015. Collection method: clinical testing. Allele origin: germline. Observed: 15 variant alleles.

Genome-Nilou Lab
Classification: Benign for Usher syndrome type 1D. Last evaluated: 2021-07-01. Review status: criteria provided, single submitter. Criteria: ACMG Guidelines, 2015. Collection method: clinical testing. Allele origin: germline. Affected: no.

Genome-Nilou Lab
Classification: Benign for Autosomal recessive nonsyndromic hearing loss 12. Last evaluated: 2021-07-01. Review status: criteria provided, single submitter. Criteria: ACMG Guidelines, 2015. Collection method: clinical testing. Allele origin: germline. Affected: no.

Athena Diagnostics
Classification: Benign. Last evaluated: 2018-05-23. Review status: criteria provided, single submitter. Criteria: Athena Diagnostics Criteria. Collection method: clinical testing. Allele origin: germline.

Illumina Laboratory Services, Illumina
Classification: Benign for Usher syndrome type 1D. Last evaluated: 2018-01-13. Review status: criteria provided, single submitter. Criteria: ICSL Variant Classification Criteria 13 December 2019. Collection method: clinical testing. Allele origin: germline.
Comment: This variant was observed in the ICSL laboratory as part of a predisposition screen in an ostensibly healthy population. It had not been previously curated by ICSL or reported in the Human Gene Mutation Database (HGMD: prior to June 1st, 2018), and was therefore a candidate for classification through an automated scoring system. Utilizing variant allele frequency, disease prevalence and penetrance estimates, and inheritance mode, an automated score was calculated to assess if this variant is too frequent to cause the disease. Based on the score and internal cut-off values, a variant classified as benign is not then subjected to further curation. The score for this variant resulted in a classification of benign for this disease.

Illumina Laboratory Services, Illumina
Classification: Benign for Autosomal recessive nonsyndromic hearing loss 12. Last evaluated: 2018-01-13. Review status: criteria provided, single submitter. Criteria: ICSL Variant Classification Criteria 13 December 2019. Collection method: clinical testing. Allele origin: germline.
Comment: the same text as in the submission from Illumina Laboratory Services, Illumina above.

GeneDx
Classification: Benign. Last evaluated: 2015-03-03. Review status: criteria provided, single submitter. Criteria: GeneDx Variant Classification Process June 2021. Collection method: clinical testing. Allele origin: germline. Affected: yes.

Laboratory for Molecular Medicine, Mass General Brigham Personalized Medicine
Classification: Benign. Last evaluated: 2009-06-02. Review status: criteria provided, single submitter. Criteria: LMM Criteria. Collection method: clinical testing. Allele origin: germline. Observed: 254 variant alleles.

Breakthrough Genomics
Classification: Benign. Review status: criteria provided, single submitter. Criteria: ACMG Guidelines, 2015. Collection method: not provided. Allele origin: germline. Inheritance: Autosomal recessive inheritance. Affected: yes.

Natera, Inc.
Classification: Benign for Usher syndrome type 1. Last evaluated: 2020-09-16. Review status: no assertion criteria provided. Collection method: clinical testing. Allele origin: germline. Not counted in ClinVar's aggregate classification.

NEI Ophthalmic Genomics Laboratory, National Institutes of Health
No classification provided. Review status: no classification provided. Collection method: not provided. Allele origin: not provided. Not counted in ClinVar's aggregate classification.